The following is an entry in ClinVar:

NM_016151.4(TAOK2):c.836G>A (p.Arg279His)

Gene: TAOK2 (TAO kinase 2; plus strand). Cytogenetic location: 16p11.2.
Variant type: single nucleotide variant.
Coding change: c.836G>A on transcript NM_016151.4 (MANE Select); coding-DNA position 836, G replaced by A.
Protein change: p.Arg279His; replaces arginine 279 with histidine.
Molecular consequence: missense variant.
Genome position (GRCh38, 1-based): chr16:29,982,738, G>A. VCF-style: chr16-29982738-G-A. GRCh37 (hg19) VCF-style: chr16-29994059-G-A.
Other names: c.836G>A, p.Arg279His (NM_001252043.2, NM_004783.4); c.836G>A (NM_016151.2); short protein forms R279H.
Identifiers: ClinVar variation 1493625 (VCV001493625.7), dbSNP rs747127087, ClinGen allele CA7997977.
Genomic context (GRCh38, chr16:29,982,738, plus strand): 5'-GTGGGTTGTGGGGGGAAGGGGAGTTGGCAGCAGACCTCAGTGCCCTCTTCCCCCAGCACC[G>A]CTTTGTGCTCCGGGAGCGGCCACCCACAGTCATCATGGACCTGATCCAGAGGACCAAGGA-3'
Protein context (NP_057235.2, residues 269-289): RPTSEVLLKH[Arg279His]FVLRERPPTV

ClinVar aggregate classification (germline): Uncertain significance. Review status: criteria provided, multiple submitters, no conflicts (2 of 4 stars). 2 submissions from 2 submitters: Uncertain significance (2). Last evaluated 2025-12-22.

Allele frequency attached by ClinVar (database versions not stated): ExAC 0.00002; gnomAD 0.00002; gnomAD exomes 0.00002; TOPMed 0.00002.
gnomAD v4.1: 35 of 1,612,988 alleles (0.0022%); highest among the groups gnomAD compares: Non-Finnish European, 0.0025%; no homozygotes.

Submissions (2):

Labcorp Genetics (formerly Invitae), Labcorp
Classification: Uncertain significance. Last evaluated: 2025-12-22. Review status: criteria provided, single submitter. Criteria: Invitae Variant Classification Sherloc (09022015). Collection method: clinical testing. Allele origin: germline.
Comment: This sequence change replaces arginine, which is basic and polar, with histidine, which is basic and polar, at codon 279 of the TAOK2 protein (p.Arg279His). This variant is present in population databases (rs747127087, gnomAD 0.007%). This variant has not been reported in the literature in individuals affected with TAOK2-related conditions. ClinVar contains an entry for this variant (Variation ID: 1493625). An algorithm developed to predict the effect of missense changes on protein structure and function (PolyPhen-2) suggests that this variant is likely to be tolerated. In summary, the available evidence is currently insufficient to determine the role of this variant in disease. Therefore, it has been classified as a Variant of Uncertain Significance.

Ambry Genetics
Classification: Uncertain significance. Last evaluated: 2024-07-10. Review status: criteria provided, single submitter. Criteria: Ambry Variant Classification Scheme 2023. Collection method: clinical testing. Allele origin: germline.